The following is an entry in ClinVar:

NM_000218.3(KCNQ1):c.345del (p.Glu115fs)

Gene: KCNQ1 (potassium voltage-gated channel subfamily Q member 1; plus strand). Cytogenetic location: 11p15.5.
Variant type: Deletion.
Coding change: c.345del on transcript NM_000218.3 (MANE Select); coding-DNA position 345, one base deleted (G; older notation c.345delG).
Protein change: p.Glu115fs; shifts the reading frame from glutamic acid 115.
Molecular consequence: frameshift variant. On other transcripts: 5 prime UTR variant (1).
Genome position (GRCh38, 1-based): chr11:2,445,443, G deleted. VCF-style (leftmost placement, unchanged base first): chr11-2445442-AG-A. GRCh37 (hg19) VCF-style: chr11-2466672-AG-A.
Other names: c.345del, p.Glu115fs (NM_001406836.1, NM_001406838.1); c.-18del (NM_001406837.1); short protein forms E115fs.
Identifiers: ClinVar variation 4875561 (VCV004875561.1).

ClinVar aggregate classification (germline): Likely pathogenic (1 of 4 stars; one submission).

Conditions:
Long QT syndrome 1 (LQT1). Identifiers: Orphanet 101016, Orphanet 768, MedGen C4551647, MONDO:0100316, OMIM 192500, MONDO:0008646.

Submission:

Clinical Genetics Laboratory, Region Ostergotland
Classification: Likely pathogenic for Long QT syndrome 1. Last evaluated: 2026-01-08. Review status: criteria provided, single submitter. Criteria: ClinGen KChannel ACMG Specifications KCNQ1 V1.0.0. Collection method: clinical testing. Allele origin: germline.
Comment: The NM_000218.3(KCNQ1):c.345del frameshift variant (p.(Glu115Aspfs*122)) is not found in population database (gnomAD v4.1.1), and is found in a gene where loss of function (LOF) is a known mechanism of disease. Variant classification as Likely pathogenic according to ClinGen Potassium Channel Arrhythmia Expert Panel Specifications to the ACMG/AMP Variant Interpretation Guidelines for KCNQ1 Version 1.0.0: PM2_supporting, PVS1